The following is an entry in ClinVar:

ClinVar aggregate classification (germline): Uncertain significance. Review status: criteria provided, multiple submitters, no conflicts (2 of 4 stars). 4 submissions from 4 submitters: Uncertain significance (4). Last evaluated 2024-08-29.

Conditions:
Familial thoracic aortic aneurysm and aortic dissection (TAAD). Also called: Thoracic aortic aneurysms and dissections. Identifiers: Orphanet 91387, MedGen C4707243, MONDO:0019625.
Aortic aneurysm, familial thoracic 4 (AAT4). Also called: AORTIC ANEURYSM/AORTIC DISSECTION AND PATENT DUCTUS ARTERIOSUS. Identifiers: MedGen C1851504, MONDO:0007568, OMIM 132900.

Allele frequency attached by ClinVar (database versions not stated): TOPMed below 0.00001; ExAC 0.00001; gnomAD 0.00001; 1000 Genomes Project 30x 0.00016; 1000 Genomes Project 0.00020.
gnomAD v4.1: 10 of 1,612,874 alleles (0.00062%); highest among the groups gnomAD compares: Admixed American, 0.0017%; no homozygotes.

Submissions (4):

All of Us Research Program, National Institutes of Health
Classification: Uncertain significance for Familial thoracic aortic aneurysm and aortic dissection. Last evaluated: 2024-08-29. Review status: criteria provided, single submitter. Criteria: ACMG Guidelines, 2015. Collection method: clinical testing. Allele origin: germline. Inheritance: Autosomal dominant inheritance. Observed: 4 variant alleles, 4 heterozygotes.
Comment: This missense variant replaces alanine with valine at codon 1713 of the MYH11 protein. Computational prediction is inconclusive regarding the impact of this variant on protein structure and function (internally defined REVEL score threshold 0.5 < inconclusive < 0.7, PMID: 27666373). To our knowledge, functional studies have not been reported for this variant. This variant has not been reported in individuals affected with MYH11-related disorders in the literature. This variant has been identified in 3/250534 chromosomes in the general population by the Genome Aggregation Database (gnomAD). The available evidence is insufficient to determine the role of this variant in disease conclusively. Therefore, this variant is classified as a Variant of Uncertain Significance.

This study involves interpretation of variants in research participants for the purpose of population health screening. Participant phenotype was not available at the time of variant classification. Additional details can be found in publication PMID: 35346344, PMCID: PMC8962531

Color Diagnostics, LLC DBA Color Health
Classification: Uncertain significance for Familial thoracic aortic aneurysm and aortic dissection. Last evaluated: 2024-07-10. Review status: criteria provided, single submitter. Criteria: ACMG Guidelines, 2015. Collection method: clinical testing. Allele origin: germline.
Comment: This missense variant replaces alanine with valine at codon 1713 of the MYH11 protein. Computational prediction is inconclusive regarding the impact of this variant on protein structure and function (internally defined REVEL score threshold 0.5 < inconclusive < 0.7, PMID: 27666373). To our knowledge, functional studies have not been reported for this variant. This variant has not been reported in individuals affected with MYH11-related disorders in the literature. This variant has been identified in 3/250534 chromosomes in the general population by the Genome Aggregation Database (gnomAD). The available evidence is insufficient to determine the role of this variant in disease conclusively. Therefore, this variant is classified as a Variant of Uncertain Significance.

GeneDx
Classification: Uncertain significance. Last evaluated: 2023-06-19. Review status: criteria provided, single submitter. Criteria: GeneDx Variant Classification Process June 2021. Collection method: clinical testing. Allele origin: germline.
Comment: Has not been previously published as pathogenic or benign to our knowledge; Not observed at significant frequency in large population cohorts (gnomAD); In silico analysis supports that this missense variant has a deleterious effect on protein structure/function

Labcorp Genetics (formerly Invitae), Labcorp
Classification: Uncertain significance for Aortic aneurysm, familial thoracic 4. Last evaluated: 2022-04-30. Review status: criteria provided, single submitter. Criteria: Invitae Variant Classification Sherloc (09022015). Collection method: clinical testing. Allele origin: germline.
Comment: This variant has not been reported in the literature in individuals affected with MYH11-related conditions. In summary, the available evidence is currently insufficient to determine the role of this variant in disease. Therefore, it has been classified as a Variant of Uncertain Significance. Algorithms developed to predict the effect of missense changes on protein structure and function are either unavailable or do not agree on the potential impact of this missense change (SIFT: "Deleterious"; PolyPhen-2: "Benign"; Align-GVGD: "Class C55"). This variant is present in population databases (rs533519322, gnomAD 0.0009%). This sequence change replaces alanine, which is neutral and non-polar, with valine, which is neutral and non-polar, at codon 1713 of the MYH11 protein (p.Ala1713Val).

NM_002474.3(MYH11):c.5117C>T (p.Ala1706Val)

Genes: MYH11 (myosin heavy chain 11; minus strand), NDE1 (nudE neurodevelopment protein 1; plus strand). Cytogenetic location: 16p13.11.
Variant type: single nucleotide variant.
Coding change: c.5117C>T on transcript NM_002474.3 (MANE Select); coding-DNA position 5117, C replaced by T.
Protein change: p.Ala1706Val; replaces alanine 1706 with valine.
Molecular consequence: missense variant. On other transcripts: intron variant (2).
Genome position (GRCh38, 1-based): chr16:15,719,274, G>A on the plus strand (C>T on the coding strand, the complement: MYH11 is on the minus strand). VCF-style: chr16-15719274-G-A. GRCh37 (hg19) VCF-style: chr16-15813131-G-A.
Other names: c.5138C>T, p.Ala1713Val (NM_001040113.2, NM_001040114.2); c.5117C>T, p.Ala1706Val (NM_022844.3); c.948-4917G>A (NM_001143979.2, NM_017668.3); short protein forms A1706V, A1713V.
Identifiers: ClinVar variation 2057280 (VCV002057280.8), dbSNP rs533519322, ClinGen allele CA7921414.
Genomic context (GRCh38, chr16:15,719,274, plus strand): 5'-TCCTACCTTCCCGACAGGCTACTGGCCAGCTCCTCTGCCAGTTCCTCCTTCTCGAGGTCC[G>A]CTTGTTTGCGAGCCCTCTCAGCGGCGGCGAGGTCCTAGGTGGGAGGGAGGAAGGCTGTTG-3'
Protein context (NP_002465.1, residues 1696-1716): LAAAERARKQ[Ala1706Val]DLEKEELAEE